The following is an entry in ClinVar:

NM_003334.4(UBA1):c.2839-75A>G

Gene: UBA1 (ubiquitin like modifier activating enzyme 1; plus strand). Cytogenetic location: Xp11.3.
Variant type: single nucleotide variant.
Coding change: c.2839-75A>G on transcript NM_003334.4 (MANE Select); 75 bases into the intron before coding-DNA position 2839, A replaced by G.
Molecular consequence: intron variant.
Genome position (GRCh38, 1-based): chrX:47,214,252, A>G. VCF-style: chrX-47214252-A-G. GRCh37 (hg19) VCF-style: chrX-47073651-A-G.
Other names: c.2839-75A>G (NM_153280.3).
Identifiers: ClinVar variation 674458 (VCV000674458.2), dbSNP rs73630264, ClinGen allele CA329040992.

ClinVar aggregate classification (germline): Benign. Review status: criteria provided, multiple submitters, no conflicts (2 of 4 stars). 2 submissions from 2 submitters: Benign (2). Last evaluated 2018-06-18.

Allele frequency attached by ClinVar (database versions not stated): gnomAD exomes 0.00891; gnomAD 0.06589; TOPMed 0.09431; 1000 Genomes Project 0.09695.

Submissions (2):

GeneDx
Classification: Benign. Last evaluated: 2018-06-18. Review status: criteria provided, single submitter. Criteria: GeneDx Variant Classification (06012015). Collection method: clinical testing. Allele origin: germline. Affected: yes.
Comment: This variant is considered likely benign or benign based on one or more of the following criteria: it is a conservative change, it occurs at a poorly conserved position in the protein, it is predicted to be benign by multiple in silico algorithms, and/or has population frequency not consistent with disease.

Breakthrough Genomics
Classification: Benign. Review status: criteria provided, single submitter. Criteria: ACMG Guidelines, 2015. Collection method: not provided. Allele origin: germline. Inheritance: Other. Affected: yes.